The following is an entry in ClinVar:

ClinVar aggregate classification (germline): Uncertain significance. Review status: criteria provided, multiple submitters, no conflicts (2 of 4 stars). 2 submissions from 2 submitters: Uncertain significance (2). Last evaluated 2025-01-09.

Conditions:
Inborn genetic diseases. Identifiers: MedGen C0950123, MeSH D030342.

Allele frequency attached by ClinVar (database versions not stated): gnomAD exomes below 0.00001; gnomAD 0.00001; TOPMed 0.00002.
gnomAD v4.1: 8 of 1,614,036 alleles (0.0005%); highest among the groups gnomAD compares: Middle Eastern, 0.016%; no homozygotes.

Submissions (2):

Ambry Genetics
Classification: Uncertain significance for Inborn genetic diseases. Last evaluated: 2025-01-09. Review status: criteria provided, single submitter. Criteria: Ambry Variant Classification Scheme 2023. Collection method: clinical testing. Allele origin: germline.

Labcorp Genetics (formerly Invitae), Labcorp
Classification: Uncertain significance. Last evaluated: 2023-09-30. Review status: criteria provided, single submitter. Criteria: Invitae Variant Classification Sherloc (09022015). Collection method: clinical testing. Allele origin: germline.
Comment: In summary, the available evidence is currently insufficient to determine the role of this variant in disease. Therefore, it has been classified as a Variant of Uncertain Significance. An algorithm developed to predict the effect of missense changes on protein structure and function (PolyPhen-2) suggests that this variant is likely to be tolerated. ClinVar contains an entry for this variant (Variation ID: 1938708). This variant has not been reported in the literature in individuals affected with RP1-related conditions. This variant is not present in population databases (gnomAD no frequency). This sequence change replaces arginine, which is basic and polar, with lysine, which is basic and polar, at codon 456 of the RP1 protein (p.Arg456Lys).

NM_006269.2(RP1):c.1367G>A (p.Arg456Lys)

Gene: RP1 (RP1 axonemal microtubule associated; plus strand). Cytogenetic location: 8q12.1.
Variant type: single nucleotide variant.
Coding change: c.1367G>A on transcript NM_006269.2 (MANE Select); coding-DNA position 1367, G replaced by A.
Protein change: p.Arg456Lys; replaces arginine 456 with lysine.
Molecular consequence: missense variant. On other transcripts: intron variant (1).
Genome position (GRCh38, 1-based): chr8:54,625,249, G>A. VCF-style: chr8-54625249-G-A. GRCh37 (hg19) VCF-style: chr8-55537809-G-A.
Other names: c.1367G>A (NM_006269.1); c.787+2961G>A (NM_001375654.1); short protein forms R456K.
Identifiers: ClinVar variation 1938708 (VCV001938708.6), dbSNP rs1806000241, ClinGen allele CA370990105.